The following is an entry in ClinVar:

NM_001277115.2(DNAH11):c.6181-1G>A

Gene: DNAH11 (dynein axonemal heavy chain 11; plus strand). Cytogenetic location: 7p15.3.
Variant type: single nucleotide variant.
Coding change: c.6181-1G>A on transcript NM_001277115.2 (MANE Select); the canonical splice acceptor site of the intron before coding-DNA position 6181, G replaced by A.
Molecular consequence: splice acceptor variant.
Genome position (GRCh38, 1-based): chr7:21,702,709, G>A. VCF-style: chr7-21702709-G-A. GRCh37 (hg19) VCF-style: chr7-21742327-G-A.
Identifiers: ClinVar variation 853614 (VCV000853614.8), dbSNP rs1360420006, ClinGen allele CA366936122.
Genomic context (GRCh38, chr7:21,702,709, plus strand): 5'-TGGAATGAGAATCTTCTTCCCTCATACAATTTTTGAGAAAATAAACCTGTTTTGATTTTA[G>A]GATCATTACGACTGGGGACTTCGTGCTATTAAGTCTGTCTTGGTTGTGGCTGGATCTCTG-3'

ClinVar aggregate classification (germline): Likely pathogenic (1 of 4 stars; one submission).

Conditions:
Primary ciliary dyskinesia. Also called: Ciliary dyskinesia. Identifiers: Orphanet 244, MedGen C0008780, MONDO:0016575, HP:0012265.

Allele frequency attached by ClinVar (database versions not stated): gnomAD exomes below 0.00001.
gnomAD v4.1: 6 of 1,612,854 alleles (0.00037%); highest among the groups gnomAD compares: South Asian, 0.0011%; no homozygotes.

Submission:

Labcorp Genetics (formerly Invitae), Labcorp
Classification: Likely pathogenic for Primary ciliary dyskinesia. Last evaluated: 2023-04-17. Review status: criteria provided, single submitter. Criteria: Invitae Variant Classification Sherloc (09022015). Collection method: clinical testing. Allele origin: germline.
Comment: This sequence change affects an acceptor splice site in intron 36 of the DNAH11 gene. It is expected to disrupt RNA splicing. Variants that disrupt the donor or acceptor splice site typically lead to a loss of protein function (PMID: 16199547), and loss-of-function variants in DNAH11 are known to be pathogenic (PMID: 18022865, 20513915, 22184204). This variant is present in population databases (no rsID available, gnomAD 0.0009%). In summary, the currently available evidence indicates that the variant is pathogenic, but additional data are needed to prove that conclusively. Therefore, this variant has been classified as Likely Pathogenic. Algorithms developed to predict the effect of sequence changes on RNA splicing suggest that this variant may disrupt the consensus splice site. ClinVar contains an entry for this variant (Variation ID: 853614). Disruption of this splice site has been observed in individual(s) with clinical features of primary ciliary dyskinesia (Invitae).

Literature cited by the submitters: PubMed 16199547; PubMed 18022865; PubMed 20513915; PubMed 22184204.